The following is an entry in ClinVar:

NM_138295.5(PKD1L1):c.1523-2A>G

Gene: PKD1L1 (polycystin 1 like 1, transient receptor potential channel interacting; minus strand). Cytogenetic location: 7p12.3.
Variant type: single nucleotide variant.
Coding change: c.1523-2A>G on transcript NM_138295.5 (MANE Select); the canonical splice acceptor site of the intron before coding-DNA position 1523, A replaced by G.
Molecular consequence: splice acceptor variant.
Genome position (GRCh38, 1-based): chr7:47,905,327, T>C on the plus strand (A>G on the coding strand, the complement: PKD1L1 is on the minus strand). VCF-style: chr7-47905327-T-C. GRCh37 (hg19) VCF-style: chr7-47944924-T-C.
Identifiers: ClinVar variation 3338192 (VCV003338192.2).

ClinVar aggregate classification (germline): Uncertain significance (0 of 4 stars; one submission).

Conditions:
Autism (AUTS). Also called: Autistic disorder of childhood onset; Autistic disorder. Identifiers: MedGen C0004352, MeSH D001321, MONDO:0005260, OMIM 209850, HP:0000717.

Submission:

Centre for Addiction & Mental Health
Classification: Uncertain significance for Autism. Review status: no assertion criteria provided. Collection method: research. Allele origin: biparental. Affected: yes. Observed: 1 homozygote. Segregation with disease observed.
Comment: Gene not previously associated with disease; independent supportng evidence needed